The following is an entry in ClinVar:

NC_000014.8:g.(?_76286330)_(76286524_?)del

Gene: TTLL5 (tubulin tyrosine ligase like 5; plus strand). Cytogenetic location: 14q24.3.
Variant type: Deletion.
Identifiers: ClinVar variation 1460140 (VCV001460140.5).

ClinVar aggregate classification (germline): Pathogenic (1 of 4 stars; one submission).

Submission:

Labcorp Genetics (formerly Invitae), Labcorp
Classification: Pathogenic. Last evaluated: 2023-11-24. Review status: criteria provided, single submitter. Criteria: Invitae Variant Classification Sherloc (09022015). Collection method: clinical testing. Allele origin: germline.
Comment: This variant is a gross deletion of the genomic region encompassing exon(s) 28 of the TTLL5 gene. This deletion is out-of-frame, and is expected to create a premature termination codon and result in an absent or disrupted protein product. Loss-of-function variants in TTLL5 are known to be pathogenic (PMID: 24791901, 27162334). This variant has not been reported in the literature in individuals affected with TTLL5-related conditions. For these reasons, this variant has been classified as Pathogenic.

Literature cited by the submitters: PubMed 24791901; PubMed 27162334.